The following is an entry in ClinVar:

ClinVar aggregate classification (germline): Benign (1 of 4 stars; one submission).

Conditions:
Multiple endocrine neoplasia type 2A. Also called: Multiple Endocrine Neoplasia Type 2A (MEN2A); MULTIPLE ENDOCRINE NEOPLASIA, TYPE IIA; PTC SYNDROME; SIPPLE SYNDROME; MEN 2A; MEN-2A syndrome. Identifiers: Orphanet 247698, Orphanet 653, MedGen C0025268, MeSH D018813, MONDO:0008234, OMIM 171400.

Submission:

Myriad Genetics, Inc.
Classification: Benign for Multiple endocrine neoplasia type 2A. Last evaluated: 2025-02-27. Review status: criteria provided, single submitter. Criteria: Myriad Autosomal Dominant, Autosomal Recessive and X-Linked Classification Criteria (2023). Collection method: clinical testing. Allele origin: unknown.
Comment: This variant is considered benign. This variant is a silent/synonymous amino acid change and it is not expected to impact splicing.

NM_020975.6(RET):c.2793A>G (p.Gln931=)

Genes: RET (ret proto-oncogene; plus strand), LOC130003710 (ATAC-STARR-seq lymphoblastoid active region 3286; plus strand). Cytogenetic location: 10q11.21.
Variant type: single nucleotide variant.
Coding change: c.2793A>G on transcript NM_020975.6 (MANE Select); coding-DNA position 2793, A replaced by G.
Protein change: p.Gln931=; no amino-acid change (glutamine 931 retained).
Molecular consequence: synonymous variant.
Genome position (GRCh38, 1-based): chr10:43,122,008, A>G. VCF-style: chr10-43122008-A-G. GRCh37 (hg19) VCF-style: chr10-43617456-A-G.
Other names: c.2031A>G, p.Gln677= (NM_001355216.2); c.2793A>G, p.Gln931= (NM_001406743.1, NM_001406744.1, NM_001406759.1 and 2 more transcripts); c.2664A>G, p.Gln888= (NM_001406761.1, NM_001406762.1, NM_001406764.1); c.2658A>G, p.Gln886= (NM_001406763.1, NM_001406765.1); c.2505A>G, p.Gln835= (NM_001406766.1, NM_001406767.1, NM_001406770.1); c.2529A>G, p.Gln843= (NM_001406768.1); c.2397A>G, p.Gln799= (NM_001406769.1, NM_001406772.1); c.2355A>G, p.Gln785= (NM_001406771.1, NM_001406773.1); and 10 more.
Identifiers: ClinVar variation 3904605 (VCV003904605.1).